The following is an entry in ClinVar:

NM_006017.3(PROM1):c.1906G>T (p.Ala636Ser)

Gene: PROM1 (prominin 1; minus strand). Cytogenetic location: 4p15.32.
Variant type: single nucleotide variant.
Coding change: c.1906G>T on transcript NM_006017.3 (MANE Select); coding-DNA position 1906, G replaced by T.
Protein change: p.Ala636Ser; replaces alanine 636 with serine.
Molecular consequence: missense variant.
Genome position (GRCh38, 1-based): chr4:15,992,253, C>A on the plus strand (G>T on the coding strand, the complement: PROM1 is on the minus strand). VCF-style: chr4-15992253-C-A. GRCh37 (hg19) VCF-style: chr4-15993876-C-A.
Other names: c.1879G>T, p.Ala627Ser (NM_001145847.2, NM_001145848.2, NM_001145851.2 and 4 more transcripts); c.1906G>T, p.Ala636Ser (NM_001145849.2, NM_001145850.2); short protein forms A636S, A627S.
Identifiers: ClinVar variation 1436582 (VCV001436582.6), dbSNP rs2149122375, ClinGen allele CA356430708.

ClinVar aggregate classification (germline): Uncertain significance (1 of 4 stars; one submission).

Submission:

Labcorp Genetics (formerly Invitae), Labcorp
Classification: Uncertain significance. Last evaluated: 2021-11-19. Review status: criteria provided, single submitter. Criteria: Invitae Variant Classification Sherloc (09022015). Collection method: clinical testing. Allele origin: germline.
Comment: Algorithms developed to predict the effect of missense changes on protein structure and function output the following: SIFT: "Tolerated"; PolyPhen-2: "Benign"; Align-GVGD: "Class C0". The serine amino acid residue is found in multiple mammalian species, which suggests that this missense change does not adversely affect protein function. In summary, the available evidence is currently insufficient to determine the role of this variant in disease. Therefore, it has been classified as a Variant of Uncertain Significance. This variant has not been reported in the literature in individuals affected with PROM1-related conditions. This variant is not present in population databases (gnomAD no frequency). This sequence change replaces alanine, which is neutral and non-polar, with serine, which is neutral and polar, at codon 636 of the PROM1 protein (p.Ala636Ser).